The following is an entry in ClinVar:

NM_000383.4(AIRE):c.1384G>C (p.Gly462Arg)

Gene: AIRE (autoimmune regulator; plus strand). Cytogenetic location: 21q22.3.
Variant type: single nucleotide variant.
Coding change: c.1384G>C on transcript NM_000383.4 (MANE Select); coding-DNA position 1384, G replaced by C.
Protein change: p.Gly462Arg; replaces glycine 462 with arginine.
Molecular consequence: missense variant.
Genome position (GRCh38, 1-based): chr21:44,293,894, G>C. VCF-style: chr21-44293894-G-C. GRCh37 (hg19) VCF-style: chr21-45713777-G-C.
Other names: c.1384G>C (NM_000383.3); short protein forms G462R.
Identifiers: ClinVar variation 2766163 (VCV002766163.4), dbSNP rs540790785, ClinGen allele CA10052081.
Genomic context (GRCh38, chr21:44,293,894, plus strand): 5'-GACGTGCTGCGGTGTACTCACTGCGCCGCTGCCTTCCACTGGCGCTGCCACTTCCCAGCC[G>C]GCACCTCCCGGCCCGGGTGAGTGAGCGTGGTCGGCGGGGAGGCCTGAACCCACACCCACA-3'
Protein context (NP_000374.1, residues 452-472): AFHWRCHFPA[Gly462Arg]TSRPGTGLRC

ClinVar aggregate classification (germline): Uncertain significance. Review status: criteria provided, multiple submitters, no conflicts (2 of 4 stars). 2 submissions from 2 submitters: Uncertain significance (2). Last evaluated 2026-02-10.

Conditions:
AIRE-related disorder. Also called: AIRE-related condition.
Polyglandular autoimmune syndrome, type 1 (APS1). Also called: AUTOIMMUNE POLYENDOCRINE SYNDROME, TYPE I, WITH OR WITHOUT REVERSIBLE METAPHYSEAL DYSPLASIA; APS I; PGA I; Autoimmune polyendocrinopathy syndrome , type I, with or without reversible metaphyseal dysplasia; Autoimmune polyendocrine syndrome type 1; Whitaker syndrome. Identifiers: Orphanet 3453, MedGen C0085859, MONDO:0009411, OMIM 240300.

Allele frequency attached by ClinVar (database versions not stated): 1000 Genomes Project 30x 0.00016; 1000 Genomes Project 0.00020.
gnomAD v4.1: 32 of 1,596,634 alleles (0.002%); highest among the groups gnomAD compares: Non-Finnish European, 0.0026%; no homozygotes.

Submissions (2):

PreventionGenetics, part of Exact Sciences
Classification: Uncertain significance for AIRE-related condition. Last evaluated: 2026-02-10. Review status: criteria provided, single submitter. Criteria: ACMG Guidelines, 2015. Collection method: clinical testing. Allele origin: germline.
Comment: The AIRE c.1384G>C variant is predicted to result in the amino acid substitution p.Gly462Arg. To our knowledge, this variant has not been reported in the literature. This variant is reported in 0.0036% of alleles in individuals of European (Non-Finnish) descent in gnomAD. At this time, the clinical significance of this variant is uncertain due to the absence of conclusive functional and genetic evidence.

Labcorp Genetics (formerly Invitae), Labcorp
Classification: Uncertain significance for Polyglandular autoimmune syndrome, type 1. Last evaluated: 2025-12-11. Review status: criteria provided, single submitter. Criteria: Invitae Variant Classification Sherloc (09022015). Collection method: clinical testing. Allele origin: germline.
Comment: This sequence change replaces glycine, which is neutral and non-polar, with arginine, which is basic and polar, at codon 462 of the AIRE protein (p.Gly462Arg). This variant is present in population databases (rs540790785, gnomAD 0.004%). This variant has not been reported in the literature in individuals affected with AIRE-related conditions. ClinVar contains an entry for this variant (Variation ID: 2766163). Invitae Evidence Modeling of protein sequence and biophysical properties (such as structural, functional, and spatial information, amino acid conservation, physicochemical variation, residue mobility, and thermodynamic stability) has been performed for this missense variant. However, the output from this modeling did not meet the statistical confidence thresholds required to predict the impact of this variant on AIRE protein function. In summary, the available evidence is currently insufficient to determine the role of this variant in disease. Therefore, it has been classified as a Variant of Uncertain Significance.